The following is an entry in ClinVar:

NM_001199107.2(TBC1D24):c.871G>A (p.Ala291Thr)

Gene: TBC1D24 (TBC1 domain family member 24; plus strand). Cytogenetic location: 16p13.3.
Variant type: single nucleotide variant.
Coding change: c.871G>A on transcript NM_001199107.2 (MANE Select); coding-DNA position 871, G replaced by A.
Protein change: p.Ala291Thr; replaces alanine 291 with threonine.
Molecular consequence: missense variant.
Genome position (GRCh38, 1-based): chr16:2,497,019, G>A. VCF-style: chr16-2497019-G-A. GRCh37 (hg19) VCF-style: chr16-2547020-G-A.
Other names: p.A291T:GCC>ACC; c.871G>A, p.Ala291Thr (NM_020705.3); short protein forms A291T.
Identifiers: ClinVar variation 207506 (VCV000207506.22), dbSNP rs375307187, ClinGen allele CA319044.

ClinVar aggregate classification (germline): Uncertain significance. Review status: criteria provided, multiple submitters, no conflicts (2 of 4 stars). 6 submissions from 6 submitters: Uncertain significance (5). 1 of the submissions does not count toward it. Last evaluated 2025-12-15.

Conditions:
Developmental and epileptic encephalopathy, 1 (DEE1). Also called: Epileptic encephalopathy, early infantile, 1; X-linked infantile spasms; West's syndrome; Tonic spasms with clustering, arrest of psychomotor development and hypsarrhythmia on EEG; X-Linked Infantile Spasm Syndrome; OHTAHARA SYNDROME, X-LINKED. Identifiers: MedGen C3463992, MONDO:0010632, OMIM 308350. Disease mechanism: loss of function.
Autosomal dominant nonsyndromic hearing loss 65. Also called: TBC1D24-Related Autosomal Dominant Nonsyndromic Hearing Loss (DFNA); Deafness, autosomal dominant 65. Identifiers: Orphanet 90635, MedGen C3892048, MONDO:0014470, OMIM 616044.
Inborn genetic diseases. Identifiers: MedGen C0950123, MeSH D030342.
Autosomal recessive nonsyndromic hearing loss 86 (DFNB86). Also called: Deafness , autosomal recessive 86; TBC1D24-Related Autosomal Recessive Nonsyndromic Hearing Loss (DFNB). Identifiers: Orphanet 90636, MedGen C2829265, MONDO:0013826, OMIM 614617.
Developmental and epileptic encephalopathy, 16 (DEE16). Also called: Early infantile epileptic encephalopathy 16; TBC1D24-Related Developmental and Epileptic Encephalopathy (DEE). Identifiers: Orphanet 293181, Orphanet 352596, MedGen C3809173, MONDO:0014133, OMIM 615338.
Familial infantile myoclonic epilepsy (FIME). Also called: TBC1D24-Related Familial Infantile Myoclonic Epilepsy (FIME); Epilepsy, Myoclonic, Infantile. Identifiers: Orphanet 352582, MedGen C0917800, MONDO:0011506, OMIM 605021.
DOORS syndrome (DOORS). Also called: DEAFNESS, ONYCHODYSTROPHY, OSTEODYSTROPHY, IMPAIRED INTELLECTUAL DEVELOPMENT, AND SEIZURES SYNDROME; DOOR SYNDROME; DRC SYNDROME; BRACHYDACTYLY DUE TO ABSENCE OF DISTAL PHALANGES; ERONEN SYNDROME; Digitorenocerebral syndrome. Identifiers: Orphanet 3231, Orphanet 79500, MedGen C0795934, MONDO:0009079, OMIM 220500. Disease mechanism: loss of function.
Intellectual disability. Also called: Intellectual functioning disability; Intellectual developmental disorder; intellectual disabilities. Identifiers: MedGen C3714756, MeSH D008607, MONDO:0001071, HP:0001249.

Allele frequency attached by ClinVar (database versions not stated): ExAC 0.00010; TOPMed 0.00010; gnomAD 0.00013 and 0.00011; gnomAD exomes 0.00010; ESP Exome Variant Server 0.00008; 1000 Genomes Project 30x 0.00016; 1000 Genomes Project 0.00020.
gnomAD v4.1: 94 of 1,613,710 alleles (0.0058%); highest among the groups gnomAD compares: Middle Eastern, 0.033%; no homozygotes.

Submissions (6):

Labcorp Genetics (formerly Invitae), Labcorp
Classification: Uncertain significance for Developmental and epileptic encephalopathy, 1; Autosomal dominant nonsyndromic hearing loss 65. Last evaluated: 2025-12-15. Review status: criteria provided, single submitter. Criteria: Invitae Variant Classification Sherloc (09022015). Collection method: clinical testing. Allele origin: germline.
Comment: This sequence change replaces alanine, which is neutral and non-polar, with threonine, which is neutral and polar, at codon 291 of the TBC1D24 protein (p.Ala291Thr). This variant is present in population databases (rs375307187, gnomAD 0.03%). This variant has not been reported in the literature in individuals affected with TBC1D24-related conditions. ClinVar contains an entry for this variant (Variation ID: 207506). Invitae Evidence Modeling of protein sequence and biophysical properties (such as structural, functional, and spatial information, amino acid conservation, physicochemical variation, residue mobility, and thermodynamic stability) indicates that this missense variant is not expected to disrupt TBC1D24 protein function with a negative predictive value of 80%. In summary, the available evidence is currently insufficient to determine the role of this variant in disease. Therefore, it has been classified as a Variant of Uncertain Significance.

GeneDx
Classification: Uncertain significance. Last evaluated: 2020-11-17. Review status: criteria provided, single submitter. Criteria: GeneDx Variant Classification Process June 2021. Collection method: clinical testing. Allele origin: germline. Affected: yes.
Comment: In silico analysis supports that this missense variant does not alter protein structure/function; Has not been previously published as pathogenic or benign to our knowledge

Fulgent Genetics
Classification: Uncertain significance for DOORS syndrome; Familial infantile myoclonic epilepsy; Autosomal recessive nonsyndromic hearing loss 86; Developmental and epileptic encephalopathy, 16; Autosomal dominant nonsyndromic hearing loss 65. Last evaluated: 2018-10-31. Review status: criteria provided, single submitter. Criteria: ACMG Guidelines, 2015. Collection method: clinical testing. Allele origin: unknown.

Genetic Services Laboratory, University of Chicago
Classification: Uncertain significance. Last evaluated: 2017-11-01. Review status: criteria provided, single submitter. Criteria: ACMG Guidelines, 2015. Collection method: clinical testing. Allele origin: germline. Affected: no.

Ambry Genetics
Classification: Uncertain significance for Inborn genetic diseases. Last evaluated: 2016-09-01. Review status: criteria provided, single submitter. Criteria: Ambry Variant Classification Scheme 2023. Collection method: clinical testing. Allele origin: germline.
Comment: The p.A291T variant (also known as c.871G>A), located in coding exon 1 of the TBC1D24 gene, results from a G to A substitution at nucleotide position 871. The alanine at codon 291 is replaced by threonine, an amino acid with similar properties. This variant was previously reported in the SNPDatabase as rs375307187. Based on data from the NHLBI Exome Sequencing Project (ESP), the A allele has an overall frequency of approximately 0.01% (1/12830) total alleles studied and 0.01% (1/8536) European American alleles. This amino acid position is not well conserved in available vertebrate species. In addition, this alteration is predicted to be tolerated by in silico analysis. Since supporting evidence is limited at this time, the clinical significance of this alteration remains unclear.

Centre de Biologie Pathologie Génétique, Centre Hospitalier Universitaire de Lille
Classification: Uncertain significance for Intellectual disability. Last evaluated: 2019-01-01. Review status: no assertion criteria provided. Collection method: clinical testing. Allele origin: unknown. Affected: yes. Not counted in ClinVar's aggregate classification.

Literature cited by the submitters: PubMed 24291220 (cited by Ambry Genetics).